The following is an entry in ClinVar:

NM_032856.5(WDR73):c.41+5A>C

Gene: WDR73 (WD repeat domain 73; minus strand). Cytogenetic location: 15q25.2.
Variant type: single nucleotide variant.
Coding change: c.41+5A>C on transcript NM_032856.5 (MANE Select); 5 bases into the intron after coding-DNA position 41, A replaced by C.
Molecular consequence: intron variant. On other transcripts: non-coding transcript variant (2).
Genome position (GRCh38, 1-based): chr15:84,654,229, T>G on the plus strand (A>C on the coding strand, the complement: WDR73 is on the minus strand). VCF-style: chr15-84654229-T-G. GRCh37 (hg19) VCF-style: chr15-85197460-T-G.
Identifiers: ClinVar variation 3897440 (VCV003897440.1).

ClinVar aggregate classification (germline): Uncertain significance (1 of 4 stars; one submission).

gnomAD v4.1: 2 of 1,613,854 alleles (0.00012%); highest among the groups gnomAD compares: South Asian, 0.0022%; no homozygotes.

Submission:

GeneDx
Classification: Uncertain significance. Last evaluated: 2024-11-01. Review status: criteria provided, single submitter. Criteria: GeneDx Variant Classification Process June 2021. Collection method: clinical testing. Allele origin: germline. Affected: yes.
Comment: Not observed at significant frequency in large population cohorts (gnomAD); Has not been previously published as pathogenic or benign to our knowledge; In silico analysis is inconclusive as to whether the variant alters gene splicing. In the absence of RNA/functional studies, the actual effect of this sequence change is unknown.